The following is an entry in ClinVar:

ClinVar aggregate classification (germline): Uncertain significance (1 of 4 stars; one submission).

gnomAD v4.1: 3 of 1,614,122 alleles (0.00019%); highest among the groups gnomAD compares: African/African-American, 0.004%; no homozygotes.

Submission:

Labcorp Genetics (formerly Invitae), Labcorp
Classification: Uncertain significance. Last evaluated: 2025-04-18. Review status: criteria provided, single submitter. Criteria: Invitae Variant Classification Sherloc (09022015). Collection method: clinical testing. Allele origin: germline.
Comment: This sequence change replaces isoleucine, which is neutral and non-polar, with leucine, which is neutral and non-polar, at codon 2030 of the TECTA protein (p.Ile2030Leu). This variant is present in population databases (rs764470788, gnomAD 0.007%). This variant has not been reported in the literature in individuals affected with TECTA-related conditions. Invitae Evidence Modeling of protein sequence and biophysical properties (such as structural, functional, and spatial information, amino acid conservation, physicochemical variation, residue mobility, and thermodynamic stability) indicates that this missense variant is not expected to disrupt TECTA protein function with a negative predictive value of 95%. In summary, the available evidence is currently insufficient to determine the role of this variant in disease. Therefore, it has been classified as a Variant of Uncertain Significance.

NM_005422.4(TECTA):c.6088A>T (p.Ile2030Leu)

Genes: TBCEL-TECTA (TBCEL-TECTA readthrough; plus strand), TECTA (tectorin alpha; plus strand). Cytogenetic location: 11q23.3.
Variant type: single nucleotide variant.
Coding change: c.6088A>T on transcript NM_005422.4 (MANE Select); coding-DNA position 6088, A replaced by T.
Protein change: p.Ile2030Leu; replaces isoleucine 2030 with leucine.
Molecular consequence: missense variant.
Genome position (GRCh38, 1-based): chr11:121,187,920, A>T. VCF-style: chr11-121187920-A-T. GRCh37 (hg19) VCF-style: chr11-121058629-A-T.
Other names: c.7030A>T, p.Ile2344Leu (NM_001378761.1); short protein forms I2030L, I2344L.
Identifiers: ClinVar variation 4798747 (VCV004798747.1).